The following is an entry in ClinVar:

NM_004304.5(ALK):c.1846G>A (p.Gly616Arg)

Gene: ALK (ALK receptor tyrosine kinase; minus strand). Cytogenetic location: 2p23.2.
Variant type: single nucleotide variant.
Coding change: c.1846G>A on transcript NM_004304.5 (MANE Select); coding-DNA position 1846, G replaced by A.
Protein change: p.Gly616Arg; replaces glycine 616 with arginine.
Molecular consequence: missense variant.
Genome position (GRCh38, 1-based): chr2:29,275,468, C>T on the plus strand (G>A on the coding strand, the complement: ALK is on the minus strand). VCF-style: chr2-29275468-C-T. GRCh37 (hg19) VCF-style: chr2-29498334-C-T.
Other names: short protein forms G616R.
Identifiers: ClinVar variation 3223804 (VCV003223804.1), dbSNP rs1451987798, ClinGen allele CA346479994.
Genomic context (GRCh38, chr2:29,275,468, plus strand): 5'-GGTAGCAGTCCAGGCTGATGGAGATATTGTCAAAAGCCACGATGGCTCTGGATCCTTGTC[C>T]CCACCATGCGACCATCTGCAGCCAGAACCTGTACACATCAAGAGGAATGTGTGTGAGGAG-3'
Protein context (NP_004295.2, residues 606-626): RFWLQMVAWW[Gly616Arg]QGSRAIVAFD

ClinVar aggregate classification (germline): Uncertain significance (1 of 4 stars; one submission).

Conditions:
Hereditary cancer-predisposing syndrome. Also called: Tumor predisposition; Hereditary neoplastic syndrome; Hereditary Cancer Syndrome; Neoplastic Syndromes, Hereditary. Identifiers: Orphanet 140162, MedGen C0027672, MeSH D009386, MONDO:0015356.

Submission:

Ambry Genetics
Classification: Uncertain significance for Hereditary cancer-predisposing syndrome. Last evaluated: 2024-02-05. Review status: criteria provided, single submitter. Criteria: Ambry Variant Classification Scheme 2023. Collection method: clinical testing. Allele origin: germline.
Comment: The p.G616R variant (also known as c.1846G>A), located in coding exon 10 of the ALK gene, results from a G to A substitution at nucleotide position 1846. The glycine at codon 616 is replaced by arginine, an amino acid with dissimilar properties. This amino acid position is conserved. In addition, this alteration is predicted to be tolerated by in silico analysis. Based on the available evidence, the clinical significance of this alteration remains unclear.